The following is an entry in ClinVar:

NM_000540.3(RYR1):c.9970G>T (p.Val3324Phe)

Gene: RYR1 (ryanodine receptor 1; plus strand). Cytogenetic location: 19q13.2.
Variant type: single nucleotide variant.
Coding change: c.9970G>T on transcript NM_000540.3 (MANE Select); coding-DNA position 9970, G replaced by T.
Protein change: p.Val3324Phe; replaces valine 3324 with phenylalanine.
Molecular consequence: missense variant.
Genome position (GRCh38, 1-based): chr19:38,517,643, G>T. VCF-style: chr19-38517643-G-T. GRCh37 (hg19) VCF-style: chr19-39008283-G-T.
Other names: c.9970G>T, p.Val3324Phe (NM_001042723.2); short protein forms V3324F.
Identifiers: ClinVar variation 1676255 (VCV001676255.2), dbSNP rs761241693, ClinGen allele CA405693153.

ClinVar aggregate classification (germline): Uncertain significance (1 of 4 stars; one submission).

Conditions:
RYR1-related myopathy. Identifiers: Orphanet 98742, MedGen CN305348, MONDO:0100150.

gnomAD v4.1: 1 of 1,614,122 alleles (0.000062%); highest among the groups gnomAD compares: Non-Finnish European, 0.000085%; no homozygotes.

Submission:

Molecular Genetics, Royal Melbourne Hospital
Classification: Uncertain significance for RYR1-related myopathy. Last evaluated: 2023-03-30. Review status: criteria provided, single submitter. Criteria: ACMG Guidelines, 2015. Collection method: clinical testing. Allele origin: germline. Affected: yes.
Comment: This sequence change in RYR1 is predicted to replace valine with phenylalanine at codon 3324, p.(Val3324Phe). The valine residue is moderately conserved (100 vertebrates, UCSC), and is located in exon 66. There is a small physicochemical difference between valine and phenylalanine. There is a single individual in gnomAD v2.1 (1/111,350 alleles) in the European (non-Finnish) population. To our knowledge, this variant has not been reported in the literature in any individuals with RYR1-releated disorders. Multiple lines of computational evidence have conflicting predictions for the missense substitution (3/5 algorithms predict benign). Based on the classification scheme RMH Modified ACMG Guidelines v1.4.0, this variant is classified as a VARIANT OF UNCERTAIN SIGNIFICANCE. Following criteria are met: none.